The following is an entry in ClinVar:

ClinVar aggregate classification (germline): Uncertain significance (1 of 4 stars; one submission).

Conditions:
Charcot-Marie-Tooth disease axonal type 2O. Also called: CHARCOT-MARIE-TOOTH NEUROPATHY, AXONAL, TYPE 2O; CHARCOT-MARIE-TOOTH DISEASE, AXONAL, AUTOSOMAL DOMINANT, TYPE 2O; Charcot-Marie-Tooth Neuropathy Type 2O; Charcot-Marie-Tooth disease, axonal, type 20. Identifiers: Orphanet 284232, MedGen C3280220, MONDO:0013644, OMIM 614228.

Submission:

Labcorp Genetics (formerly Invitae), Labcorp
Classification: Uncertain significance for Charcot-Marie-Tooth disease axonal type 2O. Last evaluated: 2026-02-03. Review status: criteria provided, single submitter. Criteria: Invitae Variant Classification Sherloc (09022015). Collection method: clinical testing. Allele origin: germline.
Comment: This sequence change replaces threonine, which is neutral and polar, with serine, which is neutral and polar, at codon 3531 of the DYNC1H1 protein (p.Thr3531Ser). This variant is not present in population databases (gnomAD no frequency). This variant has not been reported in the literature in individuals affected with DYNC1H1-related conditions. Invitae Evidence Modeling of protein sequence and biophysical properties (such as structural, functional, and spatial information, amino acid conservation, physicochemical variation, residue mobility, and thermodynamic stability) indicates that this missense variant is not expected to disrupt DYNC1H1 protein function with a negative predictive value of 95%. In summary, the available evidence is currently insufficient to determine the role of this variant in disease. Therefore, it has been classified as a Variant of Uncertain Significance.

NM_001376.5(DYNC1H1):c.10591A>T (p.Thr3531Ser)

Gene: DYNC1H1 (dynein cytoplasmic 1 heavy chain 1; plus strand). Cytogenetic location: 14q32.31.
Variant type: single nucleotide variant.
Coding change: c.10591A>T on transcript NM_001376.5 (MANE Select); coding-DNA position 10591, A replaced by T.
Protein change: p.Thr3531Ser; replaces threonine 3531 with serine.
Molecular consequence: missense variant.
Genome position (GRCh38, 1-based): chr14:102,034,153, A>T. VCF-style: chr14-102034153-A-T. GRCh37 (hg19) VCF-style: chr14-102500490-A-T.
Other names: short protein forms T3531S.
Identifiers: ClinVar variation 4802074 (VCV004802074.1).
Genomic context (GRCh38, chr14:102,034,153, plus strand): 5'-GCTGCGTTCATTGCCTACGCGGGTTACTTTGACCAGCAGATGCGTCAGAACTTGTTCACT[A>T]CCTGGTCCCATCACCTACAGCAAGCCAACATCCAGGTGAGAATCACGGGGAGTTCAAAAA-3'
Protein context (NP_001367.2, residues 3521-3541): DQQMRQNLFT[Thr3531Ser]WSHHLQQANI